The following is an entry in ClinVar:

NM_001350162.2(TEX15):c.7504_7508del (p.Ser2502fs)

Gene: TEX15 (testis expressed 15, meiosis and synapsis associated; minus strand). Cytogenetic location: 8p12.
Variant type: Deletion.
Coding change: c.7504_7508del on transcript NM_001350162.2 (MANE Select); coding-DNA positions 7504 to 7508, 5 bases deleted (TCAAC; older notation c.7504_7508delTCAAC).
Protein change: p.Ser2502fs; shifts the reading frame from serine 2502.
Molecular consequence: frameshift variant.
Genome position (GRCh38, 1-based): chr8:30,842,659-30,842,663, GTTGA deleted on the plus strand (TCAAC on the coding strand, the reverse complement: TEX15 is on the minus strand); deleting any 5 consecutive bases within chr8:30,842,659-30,842,666 gives the same sequence; the c. name uses the placement nearest the transcript's 3' end. VCF-style (leftmost placement, unchanged base first): chr8-30842658-TGTTGA-T. GRCh37 (hg19) VCF-style: chr8-30700174-TGTTGA-T.
Other names: c.6355_6359del5 (NM_031271.3); short protein forms S2502fs.
Identifiers: ClinVar variation 3350376 (VCV003350376.2).

ClinVar aggregate classification (germline): Likely pathogenic. Review status: criteria provided, single submitter (1 of 4 stars). 2 submissions from 2 submitters: Likely pathogenic (1). 1 of the submissions does not count toward it. Last evaluated 2022-09-21.

Conditions:
TEX15-related disorder. Also called: TEX15-related condition.
Spermatogenic failure 25. Identifiers: MedGen C4693765, MONDO:0054729, OMIM 617960.

Submissions (2):

Department of Pathology and Laboratory Medicine, Sinai Health System
Classification: Likely pathogenic for Spermatogenic failure 25. Last evaluated: 2022-09-21. Review status: criteria provided, single submitter. Criteria: ACMG Guidelines, 2015. Collection method: research. Allele origin: germline.

PreventionGenetics, part of Exact Sciences
Classification: Likely pathogenic for TEX15-related condition. Last evaluated: 2024-05-23. Review status: no assertion criteria provided. Collection method: clinical testing. Allele origin: germline. Not counted in ClinVar's aggregate classification.
Comment: The TEX15 c.6355_6359del5 variant is predicted to result in a frameshift and premature protein termination (p.Ser2119Argfs*16). To our knowledge, this variant has not been reported in the literature. This variant is reported in 0.012% of alleles in individuals of European (Non-Finnish) descent in gnomAD. Frameshift variants in TEX15 are expected to be pathogenic. This variant is interpreted as likely pathogenic.